The following is an entry in ClinVar:

ClinVar aggregate classification (germline): Likely pathogenic (1 of 4 stars; one submission).

Allele frequency attached by ClinVar (database versions not stated): gnomAD exomes below 0.00001 and 0.00001.
gnomAD v4.1: 17 of 1,613,458 alleles (0.0011%); highest among the groups gnomAD compares: Non-Finnish European, 0.0014%; no homozygotes.

Submission:

GeneDx
Classification: Likely pathogenic. Last evaluated: 2019-07-09. Review status: criteria provided, single submitter. Criteria: GeneDx Variant Classification Process June 2021. Collection method: clinical testing. Allele origin: germline. Affected: yes.
Comment: Not observed at a significant frequency in large population cohorts (Lek et al., 2016); In silico analysis, which includes splice predictors and evolutionary conservation, suggests this variant may impact gene splicing. In the absence of RNA/functional studies, the actual effect of this sequence change is unknown.; Has not been previously published as pathogenic or benign to our knowledge

NM_000441.2(SLC26A4):c.1206G>A (p.Val402=)

Gene: SLC26A4 (solute carrier family 26 member 4; plus strand). Cytogenetic location: 7q22.3.
Variant type: single nucleotide variant.
Coding change: c.1206G>A on transcript NM_000441.2 (MANE Select); coding-DNA position 1206, G replaced by A.
Protein change: p.Val402=; no amino-acid change (valine 402 retained).
Molecular consequence: synonymous variant.
Genome position (GRCh38, 1-based): chr7:107,690,180, G>A. VCF-style: chr7-107690180-G-A. GRCh37 (hg19) VCF-style: chr7-107330625-G-A.
Identifiers: ClinVar variation 1191769 (VCV001191769.2), dbSNP rs887436159, ClinGen allele CA164211034.